The following is an entry in ClinVar:

NM_005188.4(CBL):c.2041_2044inv (p.Leu681_Pro682delinsGluAla)

Gene: CBL (Cbl proto-oncogene; plus strand). Cytogenetic location: 11q23.3.
Variant type: Inversion.
Coding change: c.2041_2044inv on transcript NM_005188.4 (MANE Select).
Protein change: p.Leu681_Pro682delinsGluAla.
Molecular consequence: missense variant.
Genome position: GRCh38 VCF-style: chr11-119296922-CTTC-GAAG. GRCh37 (hg19) VCF-style: chr11-119167632-CTTC-GAAG.
Other names: c.2041_2044delinsGAAG (NM_005188.4).
Identifiers: ClinVar variation 935811 (VCV000935811.12), ClinGen allele CA1139662402.

ClinVar aggregate classification (germline): Uncertain significance. Review status: criteria provided, multiple submitters, no conflicts (2 of 4 stars). 3 submissions from 3 submitters: Uncertain significance (3). Last evaluated 2025-09-01.

Conditions:
RASopathy. Also called: Noonan spectrum disorder; rasopathies. Identifiers: Orphanet 536391, MedGen C5555857, MONDO:0021060.
CBL-related disorder. Also called: NOONAN SYNDROME-LIKE DISORDER WITHOUT JUVENILE MYELOMONOCYTIC LEUKEMIA; CBL MUTATION-ASSOCIATED SYNDROME; CBL SYNDROME. Identifiers: Orphanet 363972, MedGen C3150803, MONDO:0013308, OMIM 613563.

Submissions (3):

Labcorp Genetics (formerly Invitae), Labcorp
Classification: Uncertain significance for RASopathy. Last evaluated: 2025-09-01. Review status: criteria provided, single submitter. Criteria: Invitae Variant Classification Sherloc (09022015). Collection method: clinical testing. Allele origin: germline.
Comment: This variant, c.2041_2044delinsGAAG, is a complex sequence change that results in the deletion of two and insertion of two amino acid(s) in the CBL protein (p.Leu681_Pro682delinsGluAla). Information on the frequency of this variant in the gnomAD database is not available, as this variant may be reported differently in the database. This variant has not been reported in the literature in individuals affected with CBL-related conditions. ClinVar contains an entry for this variant (Variation ID: 935811). Experimental studies and prediction algorithms are not available or were not evaluated, and the functional significance of this variant is currently unknown. In summary, the available evidence is currently insufficient to determine the role of this variant in disease. Therefore, it has been classified as a Variant of Uncertain Significance.

St. Jude Molecular Pathology, St. Jude Children's Research Hospital
Classification: Uncertain significance for CBL-related disorder. Last evaluated: 2024-12-29. Review status: criteria provided, single submitter. Criteria: St. Jude Assertion Criteria 2020. Collection method: clinical testing. Allele origin: germline.
Comment: The CBL c.2041_2044delinsGAAG (p.Leu681_Pro682delinsGluAla) results from the replacement of 2 amino acids in exon 13 of the CBL gene. This variant is absent in gnomAD v2.1.1. Algorithms that predict the impact of sequence changes on splicing indicate that this variant does not affect splicing, and internal RNA data demonstrates normal splicing. To our knowledge, this variant has not been reported in individuals with Noonan syndrome-like disorders. In summary, the evidence currently available is insufficient to determine the clinical significance of this variant. It has therefore been classified as of uncertain significance.

Women's Health and Genetics/Laboratory Corporation of America, LabCorp
Classification: Uncertain significance. Last evaluated: 2024-10-14. Review status: criteria provided, single submitter. Criteria: LabCorp Variant Classification Summary - May 2015. Collection method: clinical testing. Allele origin: germline.
Comment: Variant summary: CBL c.2041_2044delinsGAAG (p.Leu681_Pro682delinsGluAla) results in an in-frame deletion-insertion that is predicted to delete/insert 2 amino acids from the protein and also cause changes in 2 amino acids. The variant allele was found at a frequency of 1.9e-06 in 1566406 control chromosomes. The available data on variant occurrences in the general population are insufficient to allow any conclusion about variant significance. To our knowledge, no occurrence of c.2041_2044delinsGAAG in individuals affected with Noonan Syndrome And Related Conditions and no experimental evidence demonstrating its impact on protein function have been reported. ClinVar contains an entry for this variant (Variation ID: 935811). Based on the evidence outlined above, the variant was classified as uncertain significance.